The following is an entry in ClinVar:

ClinVar aggregate classification (germline): Uncertain significance. Review status: criteria provided, multiple submitters, no conflicts (2 of 4 stars). 2 submissions from 2 submitters: Uncertain significance (2). Last evaluated 2025-09-10.

Conditions:
Inborn genetic diseases. Identifiers: MedGen C0950123, MeSH D030342.

Allele frequency attached by ClinVar (database versions not stated): gnomAD exomes below 0.00001; gnomAD 0.00001; TOPMed below 0.00001; ExAC 0.00001.
gnomAD v4.1: 4 of 1,614,042 alleles (0.00025%); highest among the groups gnomAD compares: Non-Finnish European, 0.00034%; no homozygotes.

Submissions (2):

Labcorp Genetics (formerly Invitae), Labcorp
Classification: Uncertain significance. Last evaluated: 2025-09-10. Review status: criteria provided, single submitter. Criteria: Invitae Variant Classification Sherloc (09022015). Collection method: clinical testing. Allele origin: germline.
Comment: This sequence change replaces glutamine, which is neutral and polar, with glutamic acid, which is acidic and polar, at codon 199 of the MBD4 protein (p.Gln199Glu). This variant is present in population databases (rs776505029, gnomAD 0.003%). This variant has not been reported in the literature in individuals affected with MBD4-related conditions. ClinVar contains an entry for this variant (Variation ID: 2747468). An algorithm developed to predict the effect of missense changes on protein structure and function (PolyPhen-2) suggests that this variant is likely to be tolerated. In summary, the available evidence is currently insufficient to determine the role of this variant in disease. Therefore, it has been classified as a Variant of Uncertain Significance.

Ambry Genetics
Classification: Uncertain significance for Inborn genetic diseases. Last evaluated: 2025-01-26. Review status: criteria provided, single submitter. Criteria: Ambry Variant Classification Scheme 2023. Collection method: clinical testing. Allele origin: germline.
Comment: The p.Q199E variant (also known as c.595C>G), located in coding exon 3 of the MBD4 gene, results from a C to G substitution at nucleotide position 595. The glutamine at codon 199 is replaced by glutamic acid, an amino acid with highly similar properties. This amino acid position is conserved. In addition, the in silico prediction for this alteration is inconclusive. Based on the available evidence, the clinical significance of this variant remains unclear.

NM_001276270.2(MBD4):c.595C>G (p.Gln199Glu)

Gene: MBD4 (methyl-CpG binding domain 4, DNA glycosylase; minus strand). Cytogenetic location: 3q21.3.
Variant type: single nucleotide variant.
Coding change: c.595C>G on transcript NM_001276270.2 (MANE Select); coding-DNA position 595, C replaced by G.
Protein change: p.Gln199Glu; replaces glutamine 199 with glutamic acid.
Molecular consequence: missense variant. On other transcripts: intron variant (1).
Genome position (GRCh38, 1-based): chr3:129,437,049, G>C on the plus strand (C>G on the coding strand, the complement: MBD4 is on the minus strand). VCF-style: chr3-129437049-G-C. GRCh37 (hg19) VCF-style: chr3-129155892-G-C.
Other names: c.595C>G, p.Gln199Glu (NM_001276271.2, NM_001276272.2, NM_003925.3); c.247+759C>G (NM_001276273.2); short protein forms Q199E.
Identifiers: ClinVar variation 2747468 (VCV002747468.4), dbSNP rs776505029, ClinGen allele CA2605500.